The following is an entry in ClinVar:

ClinVar aggregate classification (germline): Uncertain significance (1 of 4 stars; one submission).

Allele frequency attached by ClinVar (database versions not stated): gnomAD exomes below 0.00001.
gnomAD v4.1: 2 of 1,613,212 alleles (0.00012%); highest among the groups gnomAD compares: South Asian, 0.0011%; no homozygotes.

Submission:

Labcorp Genetics (formerly Invitae), Labcorp
Classification: Uncertain significance. Last evaluated: 2023-11-12. Review status: criteria provided, single submitter. Criteria: Invitae Variant Classification Sherloc (09022015). Collection method: clinical testing. Allele origin: germline.
Comment: This sequence change replaces alanine, which is neutral and non-polar, with valine, which is neutral and non-polar, at codon 310 of the SLC20A2 protein (p.Ala310Val). The frequency data for this variant in the population databases is considered unreliable, as metrics indicate poor data quality at this position in the gnomAD database. This variant has not been reported in the literature in individuals affected with SLC20A2-related conditions. An algorithm developed to predict the effect of missense changes on protein structure and function (PolyPhen-2) suggests that this variant is likely to be tolerated. In summary, the available evidence is currently insufficient to determine the role of this variant in disease. Therefore, it has been classified as a Variant of Uncertain Significance.

NM_001257180.2(SLC20A2):c.929C>T (p.Ala310Val)

Gene: SLC20A2 (solute carrier family 20 member 2; minus strand). Cytogenetic location: 8p11.21.
Variant type: single nucleotide variant.
Coding change: c.929C>T on transcript NM_001257180.2 (MANE Select); coding-DNA position 929, C replaced by T.
Protein change: p.Ala310Val; replaces alanine 310 with valine.
Molecular consequence: missense variant.
Genome position (GRCh38, 1-based): chr8:42,439,455, G>A on the plus strand (C>T on the coding strand, the complement: SLC20A2 is on the minus strand). VCF-style: chr8-42439455-G-A. GRCh37 (hg19) VCF-style: chr8-42296973-G-A.
Other names: c.929C>T, p.Ala310Val (NM_001257181.2, NM_006749.5); short protein forms A310V.
Identifiers: ClinVar variation 2979811 (VCV002979811.3), dbSNP rs1275666909, ClinGen allele CA371080286.